The following is an entry in ClinVar:

NM_004982.4(KCNJ8):c.767G>A (p.Ser256Asn)

Genes: KCNJ8 (potassium inwardly rectifying channel subfamily J member 8; minus strand), KCNJ8-AS1 (KCNJ8 antisense RNA 1; plus strand). Cytogenetic location: 12p12.1.
Variant type: single nucleotide variant.
Coding change: c.767G>A on transcript NM_004982.4 (MANE Select); coding-DNA position 767, G replaced by A.
Protein change: p.Ser256Asn; replaces serine 256 with asparagine.
Molecular consequence: missense variant.
Genome position (GRCh38, 1-based): chr12:21,766,231, C>T on the plus strand (G>A on the coding strand, the complement: KCNJ8 is on the minus strand). VCF-style: chr12-21766231-C-T. GRCh37 (hg19) VCF-style: chr12-21919165-C-T.
Other names: short protein forms S256N.
Identifiers: ClinVar variation 5023011 (VCV005023011.1).

ClinVar aggregate classification (germline): Uncertain significance (1 of 4 stars; one submission).

Conditions:
Cardiovascular phenotype. Identifiers: MedGen CN230736.

gnomAD v4.1: 2 of 1,613,954 alleles (0.00012%); highest among the groups gnomAD compares: African/African-American, 0.0027%; no homozygotes.

Submission:

Ambry Genetics
Classification: Uncertain significance for Cardiovascular phenotype. Last evaluated: 2026-06-18. Review status: criteria provided, single submitter. Criteria: Ambry Variant Classification Scheme 2023. Collection method: clinical testing. Allele origin: germline.
Comment: The p.S256N variant (also known as c.767G>A), located in coding exon 2 of the KCNJ8 gene, results from a G to A substitution at nucleotide position 767. The serine at codon 256 is replaced by asparagine, an amino acid with highly similar properties. This amino acid position is conserved. In addition, this alteration is predicted to be tolerated by in silico analysis. Based on the available evidence, the clinical significance of this variant remains unclear.